The following is an entry in ClinVar:

NM_022089.4(ATP13A2):c.*146C>T

Gene: ATP13A2 (ATPase cation transporting 13A2; minus strand). Cytogenetic location: 1p36.13.
Variant type: single nucleotide variant.
Coding change: c.*146C>T on transcript NM_022089.4 (MANE Select); 146 bases downstream of the stop codon, C replaced by T.
Molecular consequence: 3 prime UTR variant. On other transcripts: synonymous variant (1).
Genome position (GRCh38, 1-based): chr1:16,986,075, G>A on the plus strand (C>T on the coding strand, the complement: ATP13A2 is on the minus strand). VCF-style: chr1-16986075-G-A. GRCh37 (hg19) VCF-style: chr1-17312570-G-A.
Other names: c.*146C>T (NM_001141973.3); c.3387C>T, p.Pro1129= (NM_001141974.3).
Identifiers: ClinVar variation 3057501 (VCV003057501.3), dbSNP rs537718060, ClinGen allele CA636417.

ClinVar aggregate classification (germline): Likely benign. Review status: criteria provided, single submitter (1 of 4 stars). 2 submissions from 2 submitters: Likely benign (1). 1 of the submissions does not count toward it. Last evaluated 2023-09-04.

Conditions:
ATP13A2-related disorder. Also called: ATP13A2-related disorders; ATP13A2-related condition.

Allele frequency attached by ClinVar (database versions not stated): gnomAD exomes 0.00005; 1000 Genomes Project 0.00020; ExAC 0.00023; 1000 Genomes Project 30x 0.00031; gnomAD 0.00050; TOPMed 0.00060.
gnomAD v4.1: 147 of 1,530,452 alleles (0.0096%); highest among the groups gnomAD compares: African/African-American, 0.19%; no homozygotes.

Submissions (2):

Blueprint Genetics
Classification: Likely benign. Last evaluated: 2023-09-04. Review status: criteria provided, single submitter. Criteria: ACMG Guidelines, 2015. Collection method: clinical testing. Allele origin: germline.

PreventionGenetics, part of Exact Sciences
Classification: Likely benign for ATP13A2-related condition. Last evaluated: 2019-03-07. Review status: no assertion criteria provided. Collection method: clinical testing. Allele origin: germline. Not counted in ClinVar's aggregate classification.
Comment: This variant is classified as likely benign based on ACMG/AMP sequence variant interpretation guidelines (Richards et al. 2015 PMID: 25741868, with internal and published modifications).